The following is an entry in ClinVar:

NM_000350.3(ABCA4):c.2252T>C (p.Leu751Pro)

Gene: ABCA4 (ATP binding cassette subfamily A member 4; minus strand). Cytogenetic location: 1p22.1.
Variant type: single nucleotide variant.
Coding change: c.2252T>C on transcript NM_000350.3 (MANE Select); coding-DNA position 2252, T replaced by C.
Protein change: p.Leu751Pro; replaces leucine 751 with proline.
Molecular consequence: missense variant.
Genome position (GRCh38, 1-based): chr1:94,056,731, A>G on the plus strand (T>C on the coding strand, the complement: ABCA4 is on the minus strand). VCF-style: chr1-94056731-A-G. GRCh37 (hg19) VCF-style: chr1-94522287-A-G.
Other names: short protein forms L751P.
Identifiers: ClinVar variation 865765 (VCV000865765.10), dbSNP rs1660994125, ClinGen allele CA341277922.

ClinVar aggregate classification (germline): Uncertain significance. Review status: criteria provided, multiple submitters, no conflicts (2 of 4 stars). 2 submissions from 2 submitters: Uncertain significance (2). Last evaluated 2021-07-26.

Submissions (2):

Labcorp Genetics (formerly Invitae), Labcorp
Classification: Uncertain significance. Last evaluated: 2021-07-26. Review status: criteria provided, single submitter. Criteria: Invitae Variant Classification Sherloc (09022015). Collection method: clinical testing. Allele origin: germline.
Comment: In summary, the available evidence is currently insufficient to determine the role of this variant in disease. Therefore, it has been classified as a Variant of Uncertain Significance. Advanced modeling of protein sequence and biophysical properties (such as structural, functional, and spatial information, amino acid conservation, physicochemical variation, residue mobility, and thermodynamic stability) performed at Invitae indicates that this missense variant is expected to disrupt ABCA4 protein function. ClinVar contains an entry for this variant (Variation ID: 865765). This variant has been observed in individual(s) with clinical features of retinal dystrophy (Invitae). This variant is not present in population databases (ExAC no frequency). This sequence change replaces leucine with proline at codon 751 of the ABCA4 protein (p.Leu751Pro). The leucine residue is moderately conserved and there is a moderate physicochemical difference between leucine and proline.

Blueprint Genetics
Classification: Uncertain significance. Last evaluated: 2018-07-21. Review status: criteria provided, single submitter. Criteria: ACMG Guidelines, 2015. Collection method: clinical testing. Allele origin: germline.